The following is an entry in ClinVar:

NM_001048174.2(MUTYH):c.130C>G (p.Pro44Ala)

Gene: MUTYH (mutY DNA glycosylase; minus strand). Cytogenetic location: 1p34.1.
Variant type: single nucleotide variant.
Coding change: c.130C>G on transcript NM_001048174.2 (MANE Select); coding-DNA position 130, C replaced by G.
Protein change: p.Pro44Ala; replaces proline 44 with alanine.
Molecular consequence: missense variant. On other transcripts: 5 prime UTR variant (1), non-coding transcript variant (5), intron variant (5).
Genome position (GRCh38, 1-based): chr1:45,333,547, G>C on the plus strand (C>G on the coding strand, the complement: MUTYH is on the minus strand). VCF-style: chr1-45333547-G-C. GRCh37 (hg19) VCF-style: chr1-45799219-G-C.
Other names: c.130C>G, p.Pro44Ala (NM_001293195.2, NM_001407070.1, NM_001407072.1 and 6 more transcripts); c.-142C>G (NM_001350650.2); c.205C>G, p.Pro69Ala (NM_001407069.1, NM_012222.3); c.133C>G, p.Pro45Ala (NM_001407071.1, NM_001407078.1, NM_001407079.1 and 2 more transcripts); c.172C>G, p.Pro58Ala (NM_001407073.1, NM_001407083.1, NM_001407085.1); c.46C>G, p.Pro16Ala (NM_001407075.1); c.163C>G, p.Pro55Ala (NM_001407077.1, NM_001293191.2); c.151C>G, p.Pro51Ala (NM_001407087.1); and 4 more; short protein forms P45A, P59A, P16A, P69A, P44A, P51A, P58A, P72A.
Identifiers: ClinVar variation 4113510 (VCV004113510.1).

ClinVar aggregate classification (germline): Uncertain significance (1 of 4 stars; one submission).

Conditions:
Hereditary cancer-predisposing syndrome. Also called: Hereditary neoplastic syndrome; Neoplastic Syndromes, Hereditary; Tumor predisposition; Hereditary Cancer Syndrome. Identifiers: Orphanet 140162, MedGen C0027672, MeSH D009386, MONDO:0015356.

Submission:

Ambry Genetics
Classification: Uncertain significance for Hereditary cancer-predisposing syndrome. Last evaluated: 2025-08-27. Review status: criteria provided, single submitter. Criteria: Ambry Variant Classification Scheme 2023. Collection method: clinical testing. Allele origin: germline.
Comment: The p.P72A variant (also known as c.214C>G), located in coding exon 3 of the MUTYH gene, results from a C to G substitution at nucleotide position 214. The proline at codon 72 is replaced by alanine, an amino acid with highly similar properties. This amino acid position is conserved. In addition, this alteration is predicted to be tolerated by in silico analysis. Based on the available evidence, the clinical significance of this variant remains unclear.